The following is an entry in ClinVar:

ClinVar aggregate classification (germline): Uncertain significance (1 of 4 stars; one submission).

gnomAD v4.1: 9 of 1,614,170 alleles (0.00056%); highest among the groups gnomAD compares: Non-Finnish European, 0.00076%; no homozygotes.

Submission:

GeneDx
Classification: Uncertain significance. Last evaluated: 2026-09-25. Review status: criteria provided, single submitter. Criteria: GeneDx Variant Classification Process June 2021. Collection method: clinical testing. Allele origin: germline.
Comment: Reported in individuals with hearing aids in published literature (PMID: 40055553); Not observed at significant frequency in large population cohorts (gnomAD); In silico analysis supports that this missense variant has a deleterious effect on protein structure/function; This variant is associated with the following publications: (PMID: 40055553)

NM_002700.3(POU4F3):c.694G>C (p.Glu232Gln)

Genes: POU4F3 (POU class 4 homeobox 3; plus strand), RBM27-POU4F3 (RBM27-POU4F3 readthrough; plus strand). Cytogenetic location: 5q32.
Variant type: single nucleotide variant.
Coding change: c.694G>C on transcript NM_002700.3 (MANE Select); coding-DNA position 694, G replaced by C.
Protein change: p.Glu232Gln; replaces glutamic acid 232 with glutamine.
Molecular consequence: missense variant.
Genome position (GRCh38, 1-based): chr5:146,340,121, G>C. VCF-style: chr5-146340121-G-C. GRCh37 (hg19) VCF-style: chr5-145719684-G-C.
Other names: short protein forms E232Q.
Identifiers: ClinVar variation 1313437 (VCV001313437.3), dbSNP rs2126961780, ClinGen allele CA361621930.